The following is an entry in ClinVar:

NM_015175.3(NBEAL2):c.6420-3del

Gene: NBEAL2 (neurobeachin like 2; plus strand). Cytogenetic location: 3p21.31.
Variant type: Deletion.
Coding change: c.6420-3del on transcript NM_015175.3 (MANE Select); 3 bases into the intron before coding-DNA position 6420, one base deleted (C; older notation c.6420-3delC).
Molecular consequence: intron variant.
Genome position (GRCh38, 1-based): chr3:47,005,178, C deleted; the last of 4 consecutive C bases (chr3:47,005,175-47,005,178); deleting any one gives the same sequence. VCF-style (leftmost placement, unchanged base first): chr3-47005174-GC-G. GRCh37 (hg19) VCF-style: chr3-47046664-GC-G.
Other names: c.6318-3del (NM_001365116.2); c.6420-3delC (NM_015175.3).
Identifiers: ClinVar variation 3907344 (VCV003907344.2).

ClinVar aggregate classification (germline): Conflicting classifications of pathogenicity. Review status: criteria provided, conflicting classifications (1 of 4 stars). 2 submissions from 2 submitters: Uncertain significance (1); Likely benign (1). Last evaluated 2025-12-16.

Submissions (2):

Labcorp Genetics (formerly Invitae), Labcorp
Classification: Likely benign. Last evaluated: 2025-12-16. Review status: criteria provided, single submitter. Criteria: Invitae Variant Classification Sherloc (09022015). Collection method: clinical testing. Allele origin: germline.

Women's Health and Genetics/Laboratory Corporation of America, LabCorp
Classification: Uncertain significance. Last evaluated: 2025-06-05. Review status: criteria provided, single submitter. Criteria: LabCorp Variant Classification Summary - May 2015. Collection method: clinical testing. Allele origin: germline.
Comment: Variant summary: NBEAL2 c.6420-3delC alters a conserved nucleotide located close to a canonical splice site and therefore could affect mRNA splicing, leading to a significantly altered protein sequence. Several computational tools predict a significant impact on normal splicing: Two predict the variant weakens the canonical 3' acceptor site, while one predicts the variant has no significant impact on splicing at this site. Additionally, one tool predicts the variant strengthens a cryptic 5' donor site. However, these predictions have yet to be confirmed by functional studies. The variant allele was found at a frequency of 0.00015 in 249014 control chromosomes. This frequency is not significantly higher than estimated for a pathogenic variant in NBEAL2 causing Gray Platelet Syndrome, allowing no conclusion about variant significance. To our knowledge, no occurrence of c.6420-3delC in individuals affected with Gray Platelet Syndrome and no experimental evidence demonstrating its impact on protein function have been reported. No submitters have cited clinical-significance assessments for this variant to ClinVar. Based on the evidence outlined above, the variant was classified as uncertain significance.